The following is an entry in ClinVar:

NM_000435.3(NOTCH3):c.1509G>A (p.Thr503=)

Gene: NOTCH3 (notch receptor 3; minus strand). Cytogenetic location: 19p13.12.
Variant type: single nucleotide variant.
Coding change: c.1509G>A on transcript NM_000435.3 (MANE Select); coding-DNA position 1509, G replaced by A.
Protein change: p.Thr503=; no amino-acid change (threonine 503 retained).
Molecular consequence: synonymous variant.
Genome position (GRCh38, 1-based): chr19:15,187,978, C>T on the plus strand (G>A on the coding strand, the complement: NOTCH3 is on the minus strand). VCF-style: chr19-15187978-C-T. GRCh37 (hg19) VCF-style: chr19-15298789-C-T.
Identifiers: ClinVar variation 4682395 (VCV004682395.2).

ClinVar aggregate classification (germline): Likely benign. Review status: criteria provided, multiple submitters, no conflicts (2 of 4 stars). 2 submissions from 2 submitters: Likely benign (2). Last evaluated 2025-08-29.

gnomAD v4.1: 9 of 1,550,946 alleles (0.00058%); highest among the groups gnomAD compares: Non-Finnish European, 0.00078%; no homozygotes.

Submissions (2):

Athena Diagnostics
Classification: Likely benign. Last evaluated: 2025-08-29. Review status: criteria provided, single submitter. Criteria: Athena Diagnostics Criteria. Collection method: clinical testing. Allele origin: unknown.
Comment: Computational tools yielded predictions that this variant is unlikely to have an effect on normal RNA splicing. This nucleotide position exhibits low evolutionary conservation.

Blueprint Genetics
Classification: Likely benign. Last evaluated: 2022-04-19. Review status: criteria provided, single submitter. Criteria: ACMG Guidelines, 2015. Collection method: clinical testing. Allele origin: germline.